The following is an entry in ClinVar:

NM_016035.5(COQ4):c.490G>A (p.Asp164Asn)

Gene: COQ4 (coenzyme Q4; plus strand). Cytogenetic location: 9q34.11.
Variant type: single nucleotide variant.
Coding change: c.490G>A on transcript NM_016035.5 (MANE Select); coding-DNA position 490, G replaced by A.
Protein change: p.Asp164Asn; replaces aspartic acid 164 with asparagine.
Molecular consequence: missense variant. On other transcripts: intron variant (1).
Genome position (GRCh38, 1-based): chr9:128,332,240, G>A. VCF-style: chr9-128332240-G-A. GRCh37 (hg19) VCF-style: chr9-131094519-G-A.
Other names: c.*3-1234G>A (NM_001305942.2); short protein forms D164N.
Identifiers: ClinVar variation 2045410 (VCV002045410.2), dbSNP rs200009624, ClinGen allele CA5260593.

ClinVar aggregate classification (germline): Uncertain significance (1 of 4 stars; one submission).

Conditions:
Neonatal encephalomyopathy-cardiomyopathy-respiratory distress syndrome. Also called: Coenzyme Q10 deficiency, primary, 7. Identifiers: Orphanet 457185, MedGen C5568562, MONDO:0014562, OMIM 616276.

Allele frequency attached by ClinVar (database versions not stated): ExAC 0.00001; gnomAD 0.00001; gnomAD exomes 0.00001; TOPMed 0.00002.
gnomAD v4.1: 22 of 1,613,262 alleles (0.0014%); highest among the groups gnomAD compares: East Asian, 0.022%; no homozygotes.

Submission:

Labcorp Genetics (formerly Invitae), Labcorp
Classification: Uncertain significance for Neonatal encephalomyopathy-cardiomyopathy-respiratory distress syndrome. Last evaluated: 2023-07-10. Review status: criteria provided, single submitter. Criteria: Invitae Variant Classification Sherloc (09022015). Collection method: clinical testing. Allele origin: germline.
Comment: This sequence change replaces aspartic acid, which is acidic and polar, with asparagine, which is neutral and polar, at codon 164 of the COQ4 protein (p.Asp164Asn). This variant is present in population databases (rs200009624, gnomAD 0.02%). This variant has not been reported in the literature in individuals affected with COQ4-related conditions. ClinVar contains an entry for this variant (Variation ID: 2045410). Advanced modeling of protein sequence and biophysical properties (such as structural, functional, and spatial information, amino acid conservation, physicochemical variation, residue mobility, and thermodynamic stability) has been performed at Invitae for this missense variant, however the output from this modeling did not meet the statistical confidence thresholds required to predict the impact of this variant on COQ4 protein function. In summary, the available evidence is currently insufficient to determine the role of this variant in disease. Therefore, it has been classified as a Variant of Uncertain Significance.